The following is an entry in ClinVar:

ClinVar aggregate classification (germline): Uncertain significance (1 of 4 stars; one submission).

Allele frequency attached by ClinVar (database versions not stated): ExAC 0.00465.

Submission:

Labcorp Genetics (formerly Invitae), Labcorp
Classification: Uncertain significance. Last evaluated: 2024-05-07. Review status: criteria provided, single submitter. Criteria: Invitae Variant Classification Sherloc (09022015). Collection method: clinical testing. Allele origin: germline.
Comment: This sequence change replaces valine, which is neutral and non-polar, with leucine, which is neutral and non-polar, at codon 453 of the MARS2 protein (p.Val453Leu). The frequency data for this variant in the population databases is considered unreliable, as metrics indicate poor data quality at this position in the gnomAD database. This variant has not been reported in the literature in individuals affected with MARS2-related conditions. ClinVar contains an entry for this variant (Variation ID: 2125136). Advanced modeling of protein sequence and biophysical properties (such as structural, functional, and spatial information, amino acid conservation, physicochemical variation, residue mobility, and thermodynamic stability) performed at Invitae indicates that this missense variant is not expected to disrupt MARS2 protein function with a negative predictive value of 80%. In summary, the available evidence is currently insufficient to determine the role of this variant in disease. Therefore, it has been classified as a Variant of Uncertain Significance.

NM_138395.4(MARS2):c.1357G>T (p.Val453Leu)

Gene: MARS2 (methionyl-tRNA synthetase 2, mitochondrial; plus strand). Cytogenetic location: 2q33.1.
Variant type: single nucleotide variant.
Coding change: c.1357G>T on transcript NM_138395.4 (MANE Select); coding-DNA position 1357, G replaced by T.
Protein change: p.Val453Leu; replaces valine 453 with leucine.
Molecular consequence: missense variant.
Genome position (GRCh38, 1-based): chr2:197,706,762, G>T. VCF-style: chr2-197706762-G-T. GRCh37 (hg19) VCF-style: chr2-198571486-G-T.
Other names: short protein forms V453L.
Identifiers: ClinVar variation 2125136 (VCV002125136.4), dbSNP rs201239542, ClinGen allele CA2044749.
Genomic context (GRCh38, chr2:197,706,762, plus strand): 5'-CCAGGGTTGGTGGGGCCGTCAGTTCGTGCTCAGGCAGAGGATTATGCTCTGGTGAGCGCA[G>T]TGGCCACTTTGCCAAAGCAGGTAGCAGACCACTATGATAACTTTCGGATATATAAGGCTC-3'
Protein context (NP_612404.1, residues 443-463): QAEDYALVSA[Val453Leu]ATLPKQVADH